The following is an entry in ClinVar:

NM_001142800.2(EYS):c.1185-1G>A

Gene: EYS (EGF-like photoreceptor maintenance factor; minus strand). Cytogenetic location: 6q12.
Variant type: single nucleotide variant.
Coding change: c.1185-1G>A on transcript NM_001142800.2 (MANE Select); the canonical splice acceptor site of the intron before coding-DNA position 1185, G replaced by A.
Molecular consequence: splice acceptor variant.
Genome position (GRCh38, 1-based): chr6:65,384,501, C>T on the plus strand (G>A on the coding strand, the complement: EYS is on the minus strand). VCF-style: chr6-65384501-C-T. GRCh37 (hg19) VCF-style: chr6-66094394-C-T.
Other names: c.1185-1G>A (NM_001292009.2, NM_001142801.2, NM_198283.2 and 1 more transcripts).
Identifiers: ClinVar variation 3241509 (VCV003241509.2), dbSNP rs1158713034.

ClinVar aggregate classification (germline): Likely pathogenic. Review status: criteria provided, multiple submitters, no conflicts (2 of 4 stars). 2 submissions from 2 submitters: Likely pathogenic (2). Last evaluated 2025-08-26.

Conditions:
Retinitis pigmentosa 25 (RP25). Identifiers: Orphanet 791, MedGen C1864446, MONDO:0011272, OMIM 602772.

Submissions (2):

Natera, Inc.
Classification: Likely pathogenic for Retinitis pigmentosa type 25. Last evaluated: 2025-08-26. Review status: criteria provided, single submitter. Criteria: Natera Variant Classification Schema (03/2026). Collection method: clinical testing. Allele origin: germline.
Comment: The c.1185-1G>A variant in EYS is a canonical splice acceptor site variant predicted to affect pre-mRNA splicing, which may result in an abnormal transcript and altered protein product. This variant is expected to result in nonsense mediated decay, truncation, or a dysfunctional protein product. This variant is rare in the general population with a frequency below the threshold expected for the associated phenotype(s). Given the available evidence, this variant is classified as Likely Pathogenic.

Baylor Genetics
Classification: Likely pathogenic for Retinitis pigmentosa 25. Last evaluated: 2023-12-17. Review status: criteria provided, single submitter. Criteria: ACMG Guidelines, 2015. Collection method: clinical testing. Allele origin: unknown.